The following is an entry in ClinVar:

ClinVar aggregate classification (germline): Uncertain significance (1 of 4 stars; one submission).

Conditions:
Cardiovascular phenotype. Identifiers: MedGen CN230736.

Allele frequency attached by ClinVar (database versions not stated): gnomAD 0.00001.
gnomAD v4.1: 4 of 1,518,814 alleles (0.00026%); highest among the groups gnomAD compares: South Asian, 0.0025%; no homozygotes.

Submission:

Ambry Genetics
Classification: Uncertain significance for Cardiovascular phenotype. Last evaluated: 2024-08-19. Review status: criteria provided, single submitter. Criteria: Ambry Variant Classification Scheme 2023. Collection method: clinical testing. Allele origin: germline.
Comment: The p.A932V variant (also known as c.2795C>T), located in coding exon 1 of the ZNF469 gene, results from a C to T substitution at nucleotide position 2795. The alanine at codon 932 is replaced by valine, an amino acid with similar properties. This amino acid position is conserved. In addition, this alteration is predicted to be tolerated by in silico analysis. Based on the available evidence, the clinical significance of this variant remains unclear.

NM_001367624.2(ZNF469):c.2795C>T (p.Ala932Val)

Gene: ZNF469 (zinc finger protein 469; plus strand). Cytogenetic location: 16q24.2.
Variant type: single nucleotide variant.
Coding change: c.2795C>T on transcript NM_001367624.2 (MANE Select); coding-DNA position 2795, C replaced by T.
Protein change: p.Ala932Val; replaces alanine 932 with valine.
Molecular consequence: missense variant.
Genome position (GRCh38, 1-based): chr16:88,430,265, C>T. VCF-style: chr16-88430265-C-T. GRCh37 (hg19) VCF-style: chr16-88496673-C-T.
Other names: NM_001127464.1:c.2795C>T; short protein forms A932V.
Identifiers: ClinVar variation 2334744 (VCV002334744.3), dbSNP rs1275943411, ClinGen allele CA397075527.
Genomic context (GRCh38, chr16:88,430,265, plus strand): 5'-GCCCTGGGGACAGGGGCTGCCCAGCCCGAGGCAGGCCCAAAACGCGTTCCCTGGGTCTGG[C>T]CCCCACCGAGGCGGATGCGCCCAGCCAGGGCAGGCAGCAGAGGAGGGGGAAGCAGTTGAA-3'
Protein context (NP_001354553.1, residues 922-942): GRPKTRSLGL[Ala932Val]PTEADAPSQG